The following is an entry in ClinVar:

ClinVar aggregate classification (germline): Likely benign (1 of 4 stars; one submission).

Submission:

CeGaT Center for Human Genetics Tuebingen
Classification: Likely benign. Last evaluated: 2026-07-01. Review status: criteria provided, single submitter. Criteria: CeGaT Center For Human Genetics Tuebingen Variant Classification Criteria Version 2. Collection method: clinical testing. Allele origin: germline. Affected: yes. Observed: 1 variant allele.
Comment: CMYA5: BP4, BP7

NM_153610.5(CMYA5):c.7953A>G (p.Leu2651=)

Gene: CMYA5 (cardiomyopathy associated 5; plus strand). Cytogenetic location: 5q14.1.
Variant type: single nucleotide variant.
Coding change: c.7953A>G on transcript NM_153610.5 (MANE Select); coding-DNA position 7953, A replaced by G.
Protein change: p.Leu2651=; no amino-acid change (leucine 2651 retained).
Molecular consequence: synonymous variant.
Genome position (GRCh38, 1-based): chr5:79,736,718, A>G. VCF-style: chr5-79736718-A-G. GRCh37 (hg19) VCF-style: chr5-79032541-A-G.
Identifiers: ClinVar variation 5039576 (VCV005039576.1).